The following is an entry in ClinVar:

ClinVar aggregate classification (germline): Conflicting classifications of pathogenicity. Review status: criteria provided, conflicting classifications (1 of 4 stars). 6 submissions from 6 submitters: Uncertain significance (5); Likely benign (1). Last evaluated 2023-07-15.

Conditions:
Hereditary breast ovarian cancer syndrome. Also called: Hereditary breast and ovarian cancer syndrome; BRCA1- and BRCA2-Associated Hereditary Breast and Ovarian Cancer; Breast and ovarian cancer; Hereditary breast and/or ovarian cancer syndrome; Hereditary breast and ovarian cancer; Hereditary breast and ovarian cancer syndrome (HBOC). Identifiers: Orphanet 145, MedGen C0677776, MeSH D061325, MONDO:0003582. Disease mechanism: loss of function.
Hereditary cancer-predisposing syndrome. Also called: Neoplastic Syndromes, Hereditary; Tumor predisposition; Hereditary Cancer Syndrome; Hereditary neoplastic syndrome. Identifiers: Orphanet 140162, MedGen C0027672, MeSH D009386, MONDO:0015356.

Submissions (6):

Women's Health and Genetics/Laboratory Corporation of America, LabCorp
Classification: Uncertain significance. Last evaluated: 2023-07-15. Review status: criteria provided, single submitter. Criteria: LabCorp Variant Classification Summary - May 2015. Collection method: clinical testing. Allele origin: germline.

University of Washington Department of Laboratory Medicine, University of Washington
Classification: Likely benign for Hereditary cancer-predisposing syndrome. Last evaluated: 2023-03-23. Review status: criteria provided, single submitter. Criteria: Dines et al. (Genet Med. 2020). Collection method: curation. Allele origin: germline.
Comment: Missense variant in a coldspot region where missense variants are very unlikely to be pathogenic (PMID:31911673).

BRCA2 exon 11 coldspot. Reclassification based on statistical prior probability.

Quest Diagnostics Nichols Institute San Juan Capistrano
Classification: Uncertain significance. Last evaluated: 2021-06-06. Review status: criteria provided, single submitter. Criteria: Quest Diagnostics criteria. Collection method: clinical testing. Allele origin: unknown.

Labcorp Genetics (formerly Invitae), Labcorp
Classification: Uncertain significance for Hereditary breast ovarian cancer syndrome. Last evaluated: 2019-10-12. Review status: criteria provided, single submitter. Criteria: Invitae Variant Classification Sherloc (09022015). Collection method: clinical testing. Allele origin: germline.
Comment: In summary, the available evidence is currently insufficient to determine the role of this variant in disease. Therefore, it has been classified as a Variant of Uncertain Significance. This sequence change replaces asparagine with lysine at codon 1363 of the BRCA2 protein (p.Asn1363Lys). The asparagine residue is weakly conserved and there is a moderate physicochemical difference between asparagine and lysine. This variant is not present in population databases (ExAC no frequency). This variant has not been reported in the literature in individuals with BRCA2-related conditions. ClinVar contains an entry for this variant (Variation ID: 233499). Algorithms developed to predict the effect of missense changes on protein structure and function output the following: SIFT: "Tolerated"; PolyPhen-2: "Benign"; Align-GVGD: "Class C0". The lysine amino acid residue is found in multiple mammalian species, suggesting that this missense change does not adversely affect protein function. These predictions have not been confirmed by published functional studies and their clinical significance is uncertain.

Color Diagnostics, LLC DBA Color Health
Classification: Uncertain significance for Hereditary cancer-predisposing syndrome. Last evaluated: 2019-05-30. Review status: criteria provided, single submitter. Criteria: ACMG Guidelines, 2015. Collection method: clinical testing. Allele origin: germline.

Ambry Genetics
Classification: Uncertain significance for Hereditary cancer-predisposing syndrome. Last evaluated: 2015-08-13. Review status: criteria provided, single submitter. Criteria: Ambry Autosomal Dominant and X-Linked criteria (10/2015). Collection method: clinical testing. Allele origin: germline. Observed: 1 variant allele.
Comment: The p.N1363K variant (also known as c.4089C>A and4317C>A), located in coding exon 10 of the BRCA2 gene, results from a C to A substitution at nucleotide position 4089. The asparagine at codon 1363 is replaced by lysine, an amino acid with fewsimilar properties. This variant was not reported in population based cohorts in the following databases: Database of Single Nucleotide Polymorphisms (dbSNP), NHLBI Exome Sequencing Project (ESP), and 1000 Genomes Project. In the ESP, this variant was not observed in 6502 samples (13004 alleles) with coverage of 6502at this position. To date, this alteration has been detected with an allele frequency of approximately 0.001% (greater than 150000 alleles tested) in our clinical cohort.This amino acid position is not well conserved in available vertebrate species. In addition, this alteration is predicted to be tolerated by in silico analysis.Since supporting evidence is limited at this time, the clinical significance of this variant remains unclear.

NM_000059.4(BRCA2):c.4089C>A (p.Asn1363Lys)

Gene: BRCA2 (BRCA2 DNA repair associated; plus strand). Cytogenetic location: 13q13.1.
Variant type: single nucleotide variant.
Coding change: c.4089C>A on transcript NM_000059.4 (MANE Select); coding-DNA position 4089, C replaced by A.
Protein change: p.Asn1363Lys; replaces asparagine 1363 with lysine.
Molecular consequence: missense variant.
Genome position (GRCh38, 1-based): chr13:32,338,444, C>A. VCF-style: chr13-32338444-C-A. GRCh37 (hg19) VCF-style: chr13-32912581-C-A.
Other names: short protein forms N1363K.
Identifiers: ClinVar variation 233499 (VCV000233499.19), dbSNP rs80359787, ClinGen allele CA10579600.
Genomic context (GRCh38, chr13:32,338,444, plus strand): 5'-AAATGATACTGTTTGTATTCATAAAGATGAAACGGACTTGCTATTTACTGATCAGCACAA[C>A]ATATGTCTTAAATTATCTGGCCAGTTTATGAAGGAGGGAAACACTCAGATTAAAGAAGAT-3'
Protein context (NP_000050.3, residues 1353-1373): ETDLLFTDQH[Asn1363Lys]ICLKLSGQFM